The following is an entry in ClinVar:

ClinVar aggregate classification (germline): Pathogenic (1 of 4 stars; one submission).

Conditions:
GM3 synthase deficiency (SPDRS). Also called: SALT AND PEPPER MENTAL RETARDATION SYNDROME; AMISH INFANTILE EPILEPSY SYNDROME; SALT AND PEPPER DEVELOPMENTAL REGRESSION SYNDROME. Identifiers: Orphanet 171714, Orphanet 370933, MedGen C1836824, MONDO:0018274, OMIM 609056.

Submission:

Labcorp Genetics (formerly Invitae), Labcorp
Classification: Pathogenic for GM3 synthase deficiency. Last evaluated: 2024-07-12. Review status: criteria provided, single submitter. Criteria: Invitae Variant Classification Sherloc (09022015). Collection method: clinical testing. Allele origin: germline.
Comment: This sequence change creates a premature translational stop signal (p.Pro16Argfs*16) in the ST3GAL5 gene. It is expected to result in an absent or disrupted protein product. Loss-of-function variants in ST3GAL5 are known to be pathogenic (PMID: 15502825, 22990144, 27232954). This variant is not present in population databases (gnomAD no frequency). This variant has not been reported in the literature in individuals affected with ST3GAL5-related conditions. For these reasons, this variant has been classified as Pathogenic.

Literature cited by the submitters: PubMed 15502825; PubMed 22990144; PubMed 27232954.

NM_003896.4(ST3GAL5):c.47_62del (p.Pro16fs)

Genes: ST3GAL5 (ST3 beta-galactoside alpha-2,3-sialyltransferase 5; minus strand), LOC129934236 (ATAC-STARR-seq lymphoblastoid silent region 11709; plus strand). Cytogenetic location: 2p11.2.
Variant type: Deletion.
Coding change: c.47_62del on transcript NM_003896.4 (MANE Select); coding-DNA positions 47 to 62, 16 bases deleted (CGCGGACCGAGGCAGC).
Protein change: p.Pro16fs; shifts the reading frame from proline 16.
Molecular consequence: frameshift variant. On other transcripts: 5 prime UTR variant (6).
Genome position (GRCh38, 1-based): chr2:85,888,844-85,888,859, GCTGCCTCGGTCCGCG deleted on the plus strand (CGCGGACCGAGGCAGC on the coding strand, the reverse complement: ST3GAL5 is on the minus strand); deleting any 16 consecutive bases within chr2:85,888,844-85,888,864 gives the same sequence; the c. name uses the placement nearest the transcript's 3' end. VCF-style (leftmost placement, unchanged base first): chr2-85888843-CGCTGCCTCGGTCCGCG-C. GRCh37 (hg19) VCF-style: chr2-86115966-CGCTGCCTCGGTCCGCG-C.
Other names: c.-916_-901del (NM_001354223.2); c.-578_-563del (NM_001354224.2); c.-515_-500del (NM_001354226.2); c.-225_-210del (NM_001354227.2); c.-169_-154del (NM_001354229.2); c.-955_-940del (NM_001354233.2); c.47_62del, p.Pro16fs (NM_001363847.1); short protein forms P16fs.
Identifiers: ClinVar variation 2811489 (VCV002811489.3), dbSNP rs1254694736, ClinGen allele CA894034312.
Genomic context (GRCh38, chr2:85,888,843, plus strand): 5'-GCGGGCCCCCGCGACGCCGAGGAGGGGGCTGCGCCACGTACCTCGGCCGGCAGGTGCCGC[CGCTGCCTCGGTCCGCG>C]GCTGCAGGGGACGCCGCTCCGCGCAGCCCGCCGCCTTCGTCCGCATACTAATGAGGGGGC-3'